The following is an entry in ClinVar:

ClinVar aggregate classification (germline): Conflicting classifications of pathogenicity. Review status: criteria provided, conflicting classifications (1 of 4 stars). 5 submissions from 5 submitters: Likely pathogenic (1); Uncertain significance (4). Last evaluated 2026-01-23.

Conditions:
Hypogonadotropic hypogonadism 3 with or without anosmia (HH3). Also called: HYPOGONADOTROPIC HYPOGONADISM 3 WITH ANOSMIA; PROKR2-Related GnRH Deficiency (Kallmann Syndrome 3). Identifiers: Orphanet 478, MedGen C3550478, MONDO:0009482, OMIM 244200.

Allele frequency attached by ClinVar (database versions not stated): TOPMed 0.00003; gnomAD exomes 0.00005 and 0.00007; gnomAD 0.00006 and 0.00007; ExAC 0.00007; 1000 Genomes Project 0.00020; 1000 Genomes Project 30x 0.00031.
gnomAD v4.1: 110 of 1,614,144 alleles (0.0068%); highest among the groups gnomAD compares: East Asian, 0.08%; no homozygotes.

Submissions (5):

GeneDx
Classification: Uncertain significance. Last evaluated: 2026-01-23. Review status: criteria provided, single submitter. Criteria: GeneDx Variant Classification Process June 2021. Collection method: clinical testing. Allele origin: germline.
Comment: In silico analysis supports that this missense variant does not alter protein structure/function; This variant is associated with the following publications: (PMID: 30602096, 34636164, 30576231, 36694982, 37122876, 31748124)

Labcorp Genetics (formerly Invitae), Labcorp
Classification: Uncertain significance. Last evaluated: 2025-01-09. Review status: criteria provided, single submitter. Criteria: Invitae Variant Classification Sherloc (09022015). Collection method: clinical testing. Allele origin: germline.
Comment: This sequence change replaces arginine, which is basic and polar, with histidine, which is basic and polar, at codon 353 of the PROKR2 protein (p.Arg353His). This variant is present in population databases (rs576243101, gnomAD 0.04%). This missense change has been observed in individual(s) with Kallmann syndrome and/or nonobstructive azoospermia (PMID: 30576231, 36259570). ClinVar contains an entry for this variant (Variation ID: 1012475). Invitae Evidence Modeling of protein sequence and biophysical properties (such as structural, functional, and spatial information, amino acid conservation, physicochemical variation, residue mobility, and thermodynamic stability) indicates that this missense variant is not expected to disrupt PROKR2 protein function with a negative predictive value of 80%. Experimental studies have shown that this missense change affects PROKR2 function (PMID: 30576231). In summary, the available evidence is currently insufficient to determine the role of this variant in disease. Therefore, it has been classified as a Variant of Uncertain Significance.

Fulgent Genetics
Classification: Uncertain significance for Hypogonadotropic hypogonadism 3 with or without anosmia. Last evaluated: 2024-05-16. Review status: criteria provided, single submitter. Criteria: ACMG Guidelines, 2015. Collection method: clinical testing. Allele origin: germline.

Women's Health and Genetics/Laboratory Corporation of America, LabCorp
Classification: Uncertain significance. Last evaluated: 2023-08-25. Review status: criteria provided, single submitter. Criteria: LabCorp Variant Classification Summary - May 2015. Collection method: clinical testing. Allele origin: germline.
Comment: Variant summary: PROKR2 c.1058G>A (p.Arg353His) results in a non-conservative amino acid change in the encoded protein sequence. Three of five in-silico tools predict a benign effect of the variant on protein function. The variant allele was found at a frequency of 5.2e-05 in 251478 control chromosomes in the gnomAD database and at a frequency of 0.00068, including 72 heterozygotes and one homozygote, in the ToMMo 54KJPN dataset of East Asian control individuals. This frequency suggests the variant is not likely associated with a highly penetrant autosomal dominant condition and may be a benign polymorphism found primarily in individuals of East Asian ancestry. c.1058G>A has been reported in the literature in two Chinese individuals affected with Kallmann Syndrome 3 (Zhao_2019, Men_2020, Wang_2023). One of these individuals also had a variant in the FGFR1 gene which was suggested may contribute to the disease phenotype, possibly in an additive manner as the PROKR2 and FGFR1 variants were each inherited from an unaffected parent (Men_2020). c.1058G>A has also been reported in the heterozygous state as a VUS in an individual with nonobstructive azoospermia who did not have a clinical diagnosis of Kallmann Syndrome (Liu_2023). These data do not allow any conclusion about variant significance. At least one publication reports experimental evidence evaluating an impact on protein function in vitro and found the variant had normal cell surface expression and Gas signaling, but ERK1/2 signaling and Gaq-dependent signaling was decreased to approximately 50% compared to the wild type (Zhao_2019). The following publications have been ascertained in the context of this evaluation (PMID: 36259570, 31748124, 30576231, 36694982). Two submitters have cited clinical-significance assessments for this variant to ClinVar after 2014. One submitter classified the variant as likely pathogenic, and one submitter classified the variant as uncertain significance. Based on the evidence outlined above, the variant was classified as VUS-possibly benign.

CeGaT Center for Human Genetics Tuebingen
Classification: Likely pathogenic. Last evaluated: 2020-07-01. Review status: criteria provided, single submitter. Criteria: CeGaT Center For Human Genetics Tuebingen Variant Classification Criteria Version 2. Collection method: clinical testing. Allele origin: germline. Affected: yes. Observed: 1 variant allele.

Literature cited by the submitters: PubMed 30576231 (cited by Labcorp Genetics (formerly Invitae), Labcorp and Women's Health and Genetics/Laboratory Corporation of America, LabCorp); PubMed 36259570 (cited by Labcorp Genetics (formerly Invitae), Labcorp and Women's Health and Genetics/Laboratory Corporation of America, LabCorp); PubMed 31748124 (cited by Women's Health and Genetics/Laboratory Corporation of America, LabCorp); PubMed 36694982 (cited by Women's Health and Genetics/Laboratory Corporation of America, LabCorp).

NM_144773.4(PROKR2):c.1058G>A (p.Arg353His)

Gene: PROKR2 (prokineticin receptor 2; minus strand). Cytogenetic location: 20p12.3.
Variant type: single nucleotide variant.
Coding change: c.1058G>A on transcript NM_144773.4 (MANE Select); coding-DNA position 1058, G replaced by A.
Protein change: p.Arg353His; replaces arginine 353 with histidine.
Molecular consequence: missense variant.
Genome position (GRCh38, 1-based): chr20:5,302,137, C>T on the plus strand (G>A on the coding strand, the complement: PROKR2 is on the minus strand). VCF-style: chr20-5302137-C-T. GRCh37 (hg19) VCF-style: chr20-5282783-C-T.
Other names: c.1058G>A (NM_144773.2, NM_144773.3); short protein forms R353H.
Identifiers: ClinVar variation 1012475 (VCV001012475.44), dbSNP rs576243101, ClinGen allele CA9754212.